The following is an entry in ClinVar:

ClinVar aggregate classification (germline): Likely benign. Review status: criteria provided, multiple submitters, no conflicts (2 of 4 stars). 3 submissions from 3 submitters: Likely benign (3). Last evaluated 2025-08-12.

Conditions:
Nephronophthisis. Also called: Juvenile Nephronophthisis. Identifiers: Orphanet 655, MedGen C0687120, MONDO:0019005, HP:0000090.
Nephronophthisis 4 (NPHP4). Also called: NEPHRONOPHTHISIS 4, JUVENILE. Identifiers: Orphanet 655, MedGen C1847013, MONDO:0011752, OMIM 606966.
Senior-Loken syndrome 4 (SLSN4). Identifiers: Orphanet 3156, MedGen C1846979, MONDO:0011756, OMIM 606996.
NPHP4-related disorder. Also called: NPHP4-related condition; NPHP4-related disorders. Identifiers: MedGen CN239384.

Submissions (3):

PreventionGenetics, part of Exact Sciences
Classification: Likely benign for NPHP4-related condition. Last evaluated: 2025-08-12. Review status: criteria provided, single submitter. Criteria: ACMG Guidelines, 2015. Collection method: clinical testing. Allele origin: germline.
Comment: This variant is classified as likely benign based on ACMG/AMP sequence variant interpretation guidelines (Richards et al. 2015 PMID: 25741868, with internal and published modifications).

Labcorp Genetics (formerly Invitae), Labcorp
Classification: Likely benign for Nephronophthisis. Last evaluated: 2025-05-28. Review status: criteria provided, single submitter. Criteria: Invitae Variant Classification Sherloc (09022015). Collection method: clinical testing. Allele origin: germline.

Fulgent Genetics
Classification: Likely benign for Nephronophthisis 4; Senior-Loken syndrome 4. Last evaluated: 2022-02-02. Review status: criteria provided, single submitter. Criteria: ACMG Guidelines, 2015. Collection method: clinical testing. Allele origin: unknown.

NM_015102.5(NPHP4):c.3232-10del

Gene: NPHP4 (nephrocystin 4; minus strand). Cytogenetic location: 1p36.31.
Variant type: Deletion.
Coding change: c.3232-10del on transcript NM_015102.5 (MANE Select); 10 bases into the intron before coding-DNA position 3232, one base deleted (G; older notation c.3232-10delG).
Molecular consequence: intron variant.
Genome position (GRCh38, 1-based): chr1:5,873,345, C deleted on the plus strand (G on the coding strand, the reverse complement: NPHP4 is on the minus strand); the first of 2 consecutive C bases (chr1:5,873,345-5,873,346); deleting either gives the same sequence. VCF-style (leftmost placement, unchanged base first): chr1-5873344-AC-A. GRCh37 (hg19) VCF-style: chr1-5933404-AC-A.
Other names: c.3232-10delG (NM_015102.4); c.1696-10del (NM_001291594.2); c.1693-10del (NM_001291593.2).
Identifiers: ClinVar variation 1591923 (VCV001591923.10), dbSNP rs757249675, ClinGen allele CA553732.
Genomic context (GRCh38, chr1:5,873,344, plus strand): 5'-TCCAAGGTGACACGGCGTCCATGCCCTTCTCGTTGCTCAACCCAGGAGAGGCCTGCAGGA[AC>A]CGAACAGCACAAGCAGGTCAGGAAGCAACACCATTAGGCGACCAGCACCTGTGCTTAGAG-3'